The following is an entry in ClinVar:

NM_015158.5(KANK1):c.364C>A (p.Pro122Thr)

Gene: KANK1 (KN motif and ankyrin repeat domains 1; plus strand). Cytogenetic location: 9p24.3.
Variant type: single nucleotide variant.
Coding change: c.364C>A on transcript NM_015158.5 (MANE Select); coding-DNA position 364, C replaced by A.
Protein change: p.Pro122Thr; replaces proline 122 with threonine.
Molecular consequence: missense variant. On other transcripts: 5 prime UTR variant (12), non-coding transcript variant (1).
Genome position (GRCh38, 1-based): chr9:711,130, C>A. VCF-style: chr9-711130-C-A. GRCh37 (hg19) VCF-style: chr9-711130-C-A.
Other names: c.-111C>A (NM_001354333.2, NM_001354335.2, NM_001354336.2 and 9 more transcripts); c.364C>A, p.Pro122Thr (NM_001354334.2, NM_001256876.3, NM_001256877.3 and 2 more transcripts); short protein forms P122T.
Identifiers: ClinVar variation 2991475 (VCV002991475.3), dbSNP rs769259053, ClinGen allele CA372746016.
Genomic context (GRCh38, chr9:711,130, plus strand): 5'-CAGTGCCCCAACTTCCTCATAGCCAGAAGTCAAGTTACATCAACTCCAATCTCAAAGCCA[C>A]CTCCCCCTCTGGAGACCTCACTCCCTTTTCTTACCATCCCAGAAAATCGACAGCTGCCAC-3'
Protein context (NP_055973.2, residues 112-132): QVTSTPISKP[Pro122Thr]PPLETSLPFL

ClinVar aggregate classification (germline): Uncertain significance (1 of 4 stars; one submission).

gnomAD v4.1: 3 of 1,614,188 alleles (0.00019%); highest among the groups gnomAD compares: Non-Finnish European, 0.00025%; no homozygotes.

Submission:

Labcorp Genetics (formerly Invitae), Labcorp
Classification: Uncertain significance. Last evaluated: 2023-06-16. Review status: criteria provided, single submitter. Criteria: Invitae Variant Classification Sherloc (09022015). Collection method: clinical testing. Allele origin: germline.
Comment: In summary, the available evidence is currently insufficient to determine the role of this variant in disease. Therefore, it has been classified as a Variant of Uncertain Significance. An algorithm developed to predict the effect of missense changes on protein structure and function (PolyPhen-2) suggests that this variant is likely to be tolerated. This variant has not been reported in the literature in individuals affected with KANK1-related conditions. This variant is not present in population databases (gnomAD no frequency). This sequence change replaces proline, which is neutral and non-polar, with threonine, which is neutral and polar, at codon 122 of the KANK1 protein (p.Pro122Thr).